The following is an entry in ClinVar:

NM_015650.4(TRAF3IP1):c.1246A>T (p.Thr416Ser)

Gene: TRAF3IP1 (TRAF3 interacting protein 1; plus strand). Cytogenetic location: 2q37.3.
Variant type: single nucleotide variant.
Coding change: c.1246A>T on transcript NM_015650.4 (MANE Select); coding-DNA position 1246, A replaced by T.
Protein change: p.Thr416Ser; replaces threonine 416 with serine.
Molecular consequence: missense variant. On other transcripts: intron variant (1).
Genome position (GRCh38, 1-based): chr2:238,344,583, A>T. VCF-style: chr2-238344583-A-T. GRCh37 (hg19) VCF-style: chr2-239253224-A-T.
Other names: p.Thr416Ser; c.1064-2872A>T (NM_001139490.1); short protein forms T416S.
Identifiers: ClinVar variation 1167552 (VCV001167552.15), dbSNP rs58277463, ClinGen allele CA2198329.

ClinVar aggregate classification (germline): Benign. Review status: criteria provided, multiple submitters, no conflicts (2 of 4 stars). 5 submissions from 5 submitters: Benign (4). 1 of the submissions does not count toward it. Last evaluated 2026-02-03.

Conditions:
TRAF3IP1-related disorder. Also called: TRAF3IP1-related condition.

Allele frequency attached by ClinVar (database versions not stated): 1000 Genomes Project 0.15315; gnomAD exomes 0.07871 and 0.05401; gnomAD 0.11755 and 0.11917; ExAC 0.08063; ESP Exome Variant Server 0.11256; TOPMed 0.12001; 1000 Genomes Project 30x 0.15443.
gnomAD v4.1: 97,462 of 1,613,720 alleles (6%); highest among the groups gnomAD compares: African/African-American, 27%; 5,390 homozygotes.

Submissions (5):

Labcorp Genetics (formerly Invitae), Labcorp
Classification: Benign. Last evaluated: 2026-02-03. Review status: criteria provided, single submitter. Criteria: Invitae Variant Classification Sherloc (09022015). Collection method: clinical testing. Allele origin: germline.

Mayo Clinic Laboratories, Mayo Clinic
Classification: Benign. Last evaluated: 2022-03-09. Review status: criteria provided, single submitter. Criteria: ACMG Guidelines, 2015. Collection method: clinical testing. Allele origin: germline. Observed: 34 variant alleles.

GeneDx
Classification: Benign. Last evaluated: 2018-11-12. Review status: criteria provided, single submitter. Criteria: GeneDx Variant Classification Process June 2021. Collection method: clinical testing. Allele origin: germline. Affected: yes.

Breakthrough Genomics
Classification: Benign. Review status: criteria provided, single submitter. Criteria: ACMG Guidelines, 2015. Collection method: not provided. Allele origin: germline. Inheritance: Autosomal recessive inheritance. Affected: yes.

PreventionGenetics, part of Exact Sciences
Classification: Benign for TRAF3IP1-related condition. Last evaluated: 2019-10-21. Review status: no assertion criteria provided. Collection method: clinical testing. Allele origin: germline. Not counted in ClinVar's aggregate classification.
Comment: This variant is classified as benign based on ACMG/AMP sequence variant interpretation guidelines (Richards et al. 2015 PMID: 25741868, with internal and published modifications).